The following is an entry in ClinVar:

ClinVar aggregate classification (germline): Pathogenic (1 of 4 stars; one submission).

Conditions:
Tuberous sclerosis 1 (TSC1). Identifiers: Orphanet 805, MedGen C1854465, MONDO:0008612, OMIM 191100.

Submission:

Labcorp Genetics (formerly Invitae), Labcorp
Classification: Pathogenic for Tuberous sclerosis 1. Last evaluated: 2022-10-19. Review status: criteria provided, single submitter. Criteria: Invitae Variant Classification Sherloc (09022015). Collection method: clinical testing. Allele origin: germline.
Comment: This variant has not been reported in the literature in individuals affected with TSC1-related conditions. For these reasons, this variant has been classified as Pathogenic. This variant is a gross deletion of the genomic region encompassing exon(s) 6 of the TSC1 gene. This deletion is out-of-frame, and is expected to create a premature termination codon and result in an absent or disrupted protein product. Loss-of-function variants in TSC1 are known to be pathogenic (PMID: 10227394, 17304050).

Literature cited by the submitters: PubMed 10227394; PubMed 17304050.

NC_000009.11:g.(?_135798715)_(135798899_?)del

Gene: TSC1 (TSC complex subunit 1; minus strand). Cytogenetic location: 9q34.13.
Variant type: Deletion.
Identifiers: ClinVar variation 2422965 (VCV002422965.4).